The following is an entry in ClinVar:

NM_001127208.3(TET2):c.2837C>G (p.Thr946Ser)

Genes: TET2 (tet methylcytosine dioxygenase 2; plus strand), TET2-AS1 (TET2 antisense RNA 1; minus strand). Cytogenetic location: 4q24.
Variant type: single nucleotide variant.
Coding change: c.2837C>G on transcript NM_001127208.3 (MANE Select); coding-DNA position 2837, C replaced by G.
Protein change: p.Thr946Ser; replaces threonine 946 with serine.
Molecular consequence: missense variant.
Genome position (GRCh38, 1-based): chr4:105,236,779, C>G. VCF-style: chr4-105236779-C-G. GRCh37 (hg19) VCF-style: chr4-106157936-C-G.
Other names: c.2837C>G, p.Thr946Ser (NM_017628.4); short protein forms T946S.
Identifiers: ClinVar variation 2801809 (VCV002801809.2), dbSNP rs1359281257, ClinGen allele CA357800541.

ClinVar aggregate classification (germline): Uncertain significance (1 of 4 stars; one submission).

Submission:

Labcorp Genetics (formerly Invitae), Labcorp
Classification: Uncertain significance. Last evaluated: 2022-11-20. Review status: criteria provided, single submitter. Criteria: Invitae Variant Classification Sherloc (09022015). Collection method: clinical testing. Allele origin: germline.
Comment: This sequence change replaces threonine, which is neutral and polar, with serine, which is neutral and polar, at codon 946 of the TET2 protein (p.Thr946Ser). This variant is not present in population databases (gnomAD no frequency). This variant has not been reported in the literature in individuals affected with TET2-related conditions. Algorithms developed to predict the effect of missense changes on protein structure and function are either unavailable or do not agree on the potential impact of this missense change (SIFT: "Deleterious"; PolyPhen-2: "Benign"; Align-GVGD: "Class C0"). In summary, the available evidence is currently insufficient to determine the role of this variant in disease. Therefore, it has been classified as a Variant of Uncertain Significance.